The following is an entry in ClinVar:

NM_033163.5(FGF8):c.469G>A (p.Val157Ile)

Gene: FGF8 (fibroblast growth factor 8; minus strand). Cytogenetic location: 10q24.32.
Variant type: single nucleotide variant.
Coding change: c.469G>A on transcript NM_033163.5 (MANE Select); coding-DNA position 469, G replaced by A.
Protein change: p.Val157Ile; replaces valine 157 with isoleucine.
Molecular consequence: missense variant.
Genome position (GRCh38, 1-based): chr10:101,770,595, C>T on the plus strand (G>A on the coding strand, the complement: FGF8 is on the minus strand). VCF-style: chr10-101770595-C-T. GRCh37 (hg19) VCF-style: chr10-103530352-C-T.
Other names: c.157G>A, p.Val53Ile (NM_001206389.2); c.382G>A, p.Val128Ile (NM_006119.6); c.436G>A, p.Val146Ile (NM_033164.4); c.349G>A, p.Val117Ile (NM_033165.5); short protein forms V117I, V128I, V146I, V157I, V53I.
Identifiers: ClinVar variation 1693028 (VCV001693028.2), dbSNP rs139565972, ClinGen allele CA5657571.
Genomic context (GRCh38, chr10:101,770,595, plus strand): 5'-CCTCGTACTTGGCATTCTGCAGCGCTGTGTAGTTGTTCTCCAGCACAATCTCCGTGAAGA[C>T]GCAGTCCTTGCCTTTGCCGTTGCTCTGCAGGTAGGGGAGCCAGACACCACGTTACAGAGC-3'
Protein context (NP_149353.1, residues 147-167): AKSNGKGKDC[Val157Ile]FTEIVLENNY

ClinVar aggregate classification (germline): Uncertain significance (1 of 4 stars; one submission).

Allele frequency attached by ClinVar (database versions not stated): gnomAD exomes 0.00006; ExAC 0.00007; gnomAD 0.00007 and 0.00008; TOPMed 0.00009; ESP Exome Variant Server 0.00015.
gnomAD v4.1: 89 of 1,611,612 alleles (0.0055%); highest among the groups gnomAD compares: Middle Eastern, 0.016%; no homozygotes.

Submission:

GeneDx
Classification: Uncertain significance. Last evaluated: 2022-06-23. Review status: criteria provided, single submitter. Criteria: GeneDx Variant Classification Process June 2021. Collection method: clinical testing. Allele origin: germline. Affected: yes.
Comment: In silico analysis supports that this missense variant does not alter protein structure/function; Published functional studies of FGF8 variants in zebrafish suggest that V157I, described as V146I due to the use of an alternate transcript, has a benign effect (Hong et al., 2018); Has not been previously published in individuals with FGF8-related disease to our knowledge; This variant is associated with the following publications: (PMID: 29584859)